The following is an entry in ClinVar:

NM_001164508.2(NEB):c.24115-151C>A

Genes: RIF1 (replication timing regulatory factor 1; plus strand), NEB (nebulin; minus strand). Cytogenetic location: 2q23.3.
Variant type: single nucleotide variant.
Coding change: c.24115-151C>A on transcript NM_001164508.2 (MANE Select); 151 bases into the intron before coding-DNA position 24115, C replaced by A.
Molecular consequence: intron variant.
Genome position (GRCh38, 1-based): chr2:151,498,503, G>T on the plus strand (C>A on the coding strand, the complement: NEB is on the minus strand). VCF-style: chr2-151498503-G-T. GRCh37 (hg19) VCF-style: chr2-152355017-G-T.
Other names: c.18826-2135C>A (NM_004543.5); c.24115-151C>A (NM_001164507.2); c.24220-151C>A (NM_001271208.2).
Identifiers: ClinVar variation 813957 (VCV000813957.1), dbSNP rs1575076895, ClinGen allele CA658820680.

ClinVar aggregate classification (germline): Uncertain significance (1 of 4 stars; one submission).

Conditions:
Nemaline myopathy 2 (NEM2). Also called: Nemaline myopathy 2, autosomal recessive. Identifiers: MedGen C1850569, MONDO:0009725, OMIM 256030.

Submission:

Broad Center for Mendelian Genomics, Broad Institute of MIT and Harvard
Classification: Uncertain significance for Nemaline myopathy 2. Last evaluated: 2018-12-03. Review status: criteria provided, single submitter. Criteria: ACMG Guidelines, 2015. Collection method: research. Allele origin: germline. Inheritance: Autosomal recessive inheritance. Affected: yes.
Comment: This variant was absent from large population studies. Computational prediction tools do not provide strong support for or against an impact to the protein. However, the presence of this variant in combination with a likely pathogenic variant and in an individual with nemaline myopathy increases the likelihood that the c.24115-151C>A variant is pathogenic. In summary, the clinical significance of the c.24115-151C>A variant is uncertain. ACMG/AMP Criteria applied: PM2, PM3_Supporting (Richards 2015).